The following is an entry in ClinVar:

ClinVar aggregate classification (germline): Uncertain significance (1 of 4 stars; one submission).

Conditions:
Jeune thoracic dystrophy. Also called: Jeune syndrome; Infantile thoracic dystrophy; Thoracic pelvic phalangeal dystrophy; Jeune's syndrome; Chondroectodermal dysplasia-like syndrome; Short-rib thoracic dysplasia. Identifiers: Orphanet 474, MedGen C0265275, MONDO:0018770.

Allele frequency attached by ClinVar (database versions not stated): TOPMed below 0.00001.

Submission:

Labcorp Genetics (formerly Invitae), Labcorp
Classification: Uncertain significance for Jeune thoracic dystrophy. Last evaluated: 2022-06-13. Review status: criteria provided, single submitter. Criteria: Invitae Variant Classification Sherloc (09022015). Collection method: clinical testing. Allele origin: germline.
Comment: This sequence change replaces isoleucine, which is neutral and non-polar, with serine, which is neutral and polar, at codon 555 of the DYNC2H1 protein (p.Ile555Ser). This variant is not present in population databases (gnomAD no frequency). This variant has not been reported in the literature in individuals affected with DYNC2H1-related conditions. Algorithms developed to predict the effect of missense changes on protein structure and function are either unavailable or do not agree on the potential impact of this missense change (SIFT: "Deleterious"; PolyPhen-2: "Benign"; Align-GVGD: "Class C55"). Algorithms developed to predict the effect of sequence changes on RNA splicing suggest that this variant may create or strengthen a splice site. In summary, the available evidence is currently insufficient to determine the role of this variant in disease. Therefore, it has been classified as a Variant of Uncertain Significance.

NM_001377.3(DYNC2H1):c.1664T>G (p.Ile555Ser)

Gene: DYNC2H1 (dynein cytoplasmic 2 heavy chain 1; plus strand). Cytogenetic location: 11q22.3.
Variant type: single nucleotide variant.
Coding change: c.1664T>G on transcript NM_001377.3 (MANE Select); coding-DNA position 1664, T replaced by G.
Protein change: p.Ile555Ser; replaces isoleucine 555 with serine.
Molecular consequence: missense variant.
Genome position (GRCh38, 1-based): chr11:103,125,102, T>G. VCF-style: chr11-103125102-T-G. GRCh37 (hg19) VCF-style: chr11-102995831-T-G.
Other names: c.1664T>G, p.Ile555Ser (NM_001080463.2); short protein forms I555S.
Identifiers: ClinVar variation 1519977 (VCV001519977.5), dbSNP rs1858922505, ClinGen allele CA382254873.